The following is an entry in ClinVar:

NM_014241.4(HACD1):c.36C>G (p.Ser12Arg)

Genes: HACD1 (3-hydroxyacyl-CoA dehydratase 1; minus strand), LOC130003454 (ATAC-STARR-seq lymphoblastoid silent region 2183; plus strand). Cytogenetic location: 10p12.33.
Variant type: single nucleotide variant.
Coding change: c.36C>G on transcript NM_014241.4 (MANE Select); coding-DNA position 36, C replaced by G.
Protein change: p.Ser12Arg; replaces serine 12 with arginine.
Molecular consequence: missense variant.
Genome position (GRCh38, 1-based): chr10:17,617,304, G>C on the plus strand (C>G on the coding strand, the complement: HACD1 is on the minus strand). VCF-style: chr10-17617304-G-C. GRCh37 (hg19) VCF-style: chr10-17659303-G-C.
Other names: short protein forms S12R.
Identifiers: ClinVar variation 3610238 (VCV003610238.1).
Genomic context (GRCh38, chr10:17,617,304, plus strand): 5'-CGTGGGAGACAGCGGCAGGAGCGTGGGAGGGGACCCTGCCCAGCCTGCAGCCCGAGAGCC[G>C]CTGCCCGCTGCCGCCGCTTCCGTCAGGCGCCCCATGTGCAGCGCGCAGGGGGCTCGGCGC-3'
Protein context (NP_055056.3, residues 2-22): GRLTEAAAAG[Ser12Arg]GSRAAGWAGS

ClinVar aggregate classification (germline): Uncertain significance (1 of 4 stars; one submission).

gnomAD v4.1: 6 of 1,443,598 alleles (0.00042%); highest among the groups gnomAD compares: Non-Finnish European, 0.00045%; no homozygotes.

Submission:

Labcorp Genetics (formerly Invitae), Labcorp
Classification: Uncertain significance. Last evaluated: 2024-04-17. Review status: criteria provided, single submitter. Criteria: Invitae Variant Classification Sherloc (09022015). Collection method: clinical testing. Allele origin: germline.
Comment: This sequence change replaces serine, which is neutral and polar, with arginine, which is basic and polar, at codon 12 of the HACD1 protein (p.Ser12Arg). This variant is not present in population databases (gnomAD no frequency). This variant has not been reported in the literature in individuals affected with HACD1-related conditions. An algorithm developed to predict the effect of missense changes on protein structure and function (PolyPhen-2) suggests that this variant¬†is likely to be tolerated. In summary, the available evidence is currently insufficient to determine the role of this variant in disease. Therefore, it has been classified as a Variant of Uncertain Significance.